The following is an entry in ClinVar:

NM_000091.5(COL4A3):c.1180_1199del (p.Pro394fs)

Genes: COL4A3 (collagen type IV alpha 3 chain; plus strand), MFF-DT (MFF divergent transcript; minus strand). Cytogenetic location: 2q36.3.
Variant type: Deletion.
Coding change: c.1180_1199del on transcript NM_000091.5 (MANE Select); coding-DNA positions 1180 to 1199, 20 bases deleted (CCTGGATGGCCAGGCCTGAA).
Protein change: p.Pro394fs; shifts the reading frame from proline 394.
Molecular consequence: frameshift variant.
Genome position (GRCh38, 1-based): chr2:227,263,809-227,263,828, CCTGGATGGCCAGGCCTGAA deleted. VCF-style (leftmost placement, unchanged base first): chr2-227263808-CCCTGGATGGCCAGGCCTGAA-C. GRCh37 (hg19) VCF-style: chr2-228128524-CCCTGGATGGCCAGGCCTGAA-C.
Other names: c.1180_1199del (NM_000091.4); short protein forms P394fs.
Identifiers: ClinVar variation 1370958 (VCV001370958.8), dbSNP rs2125972390, ClinGen allele CA2573135452.

ClinVar aggregate classification (germline): Pathogenic/Likely pathogenic. Review status: criteria provided, multiple submitters, no conflicts (2 of 4 stars). 2 submissions from 2 submitters: Pathogenic (1); Likely pathogenic (1). Last evaluated 2025-01-23.

Conditions:
Alport syndrome. Also called: Hemorrhagic familial nephritis; Hemorrhagic hereditary nephritis; Congenital hereditary hematuria. Identifiers: Orphanet 63, MedGen C1567741, MONDO:0018965.

Submissions (2):

Natera, Inc.
Classification: Likely pathogenic for Alport syndrome. Last evaluated: 2025-01-23. Review status: criteria provided, single submitter. Criteria: Natera Variant Classification Schema (03/2026). Collection method: clinical testing. Allele origin: germline.
Comment: The c.1180_1199del variant in COL4A3 is a frameshift variant predicted to shift the reading frame beginning at codon 394 and leads to a stop codon 3 codons downstream. This variant is expected to result in nonsense mediated decay, truncation, or a dysfunctional protein product. This variant is rare in the general population with a frequency below the threshold expected for the associated phenotype(s). Given the available evidence, this variant is classified as Likely Pathogenic.

Labcorp Genetics (formerly Invitae), Labcorp
Classification: Pathogenic. Last evaluated: 2022-02-14. Review status: criteria provided, single submitter. Criteria: Invitae Variant Classification Sherloc (09022015). Collection method: clinical testing. Allele origin: germline.
Comment: For these reasons, this variant has been classified as Pathogenic. This variant has not been reported in the literature in individuals affected with COL4A3-related conditions. This variant is not present in population databases (gnomAD no frequency). This sequence change creates a premature translational stop signal (p.Pro394Argfs*3) in the COL4A3 gene. It is expected to result in an absent or disrupted protein product. Loss-of-function variants in COL4A3 are known to be pathogenic (PMID: 8956999, 24854265, 26809805, 27281700).

Literature cited by the submitters: PubMed 8956999 (cited by Labcorp Genetics (formerly Invitae), Labcorp); PubMed 24854265 (cited by Labcorp Genetics (formerly Invitae), Labcorp); PubMed 26809805 (cited by Labcorp Genetics (formerly Invitae), Labcorp); PubMed 27281700 (cited by Labcorp Genetics (formerly Invitae), Labcorp).